The following is an entry in ClinVar:

ClinVar aggregate classification (germline): Uncertain significance. Review status: criteria provided, multiple submitters, no conflicts (2 of 4 stars). 3 submissions from 3 submitters: Uncertain significance (3). Last evaluated 2025-02-25.

Conditions:
Inborn genetic diseases. Identifiers: MedGen C0950123, MeSH D030342.
Intestinal obstruction in the newborn due to guanylate cyclase 2C deficiency. Identifiers: Orphanet 314376, MedGen C4518781, MONDO:0013843, OMIM 614665.

Allele frequency attached by ClinVar (database versions not stated): TOPMed below 0.00001; gnomAD exomes 0.00003; ExAC 0.00004.

Submissions (3):

Ambry Genetics
Classification: Uncertain significance for Inborn genetic diseases. Last evaluated: 2025-02-25. Review status: criteria provided, single submitter. Criteria: Ambry Variant Classification Scheme 2023. Collection method: clinical testing. Allele origin: germline.

Labcorp Genetics (formerly Invitae), Labcorp
Classification: Uncertain significance. Last evaluated: 2024-07-04. Review status: criteria provided, single submitter. Criteria: Invitae Variant Classification Sherloc (09022015). Collection method: clinical testing. Allele origin: germline.
Comment: This sequence change replaces arginine, which is basic and polar, with cysteine, which is neutral and slightly polar, at codon 68 of the GUCY2C protein (p.Arg68Cys). This variant is present in population databases (rs750915945, gnomAD 0.02%). This variant has not been reported in the literature in individuals affected with GUCY2C-related conditions. ClinVar contains an entry for this variant (Variation ID: 1236207). Advanced modeling of protein sequence and biophysical properties (such as structural, functional, and spatial information, amino acid conservation, physicochemical variation, residue mobility, and thermodynamic stability) performed at Invitae indicates that this missense variant is not expected to disrupt GUCY2C protein function with a negative predictive value of 80%. In summary, the available evidence is currently insufficient to determine the role of this variant in disease. Therefore, it has been classified as a Variant of Uncertain Significance.

Suma Genomics
Classification: Uncertain significance for Intestinal obstruction in the newborn due to guanylate cyclase 2C deficiency. Review status: criteria provided, single submitter. Criteria: ACMG Guidelines, 2015. Collection method: clinical testing. Allele origin: inherited. Inheritance: Autosomal recessive inheritance. Affected: yes.

NM_004963.4(GUCY2C):c.202C>T (p.Arg68Cys)

Genes: GUCY2C (guanylate cyclase 2C; minus strand), GUCY2C-AS1 (GUCY2C antisense RNA 1; plus strand). Cytogenetic location: 12p12.3.
Variant type: single nucleotide variant.
Coding change: c.202C>T on transcript NM_004963.4 (MANE Select); coding-DNA position 202, C replaced by T.
Protein change: p.Arg68Cys; replaces arginine 68 with cysteine.
Molecular consequence: missense variant.
Genome position (GRCh38, 1-based): chr12:14,696,247, G>A on the plus strand (C>T on the coding strand, the complement: GUCY2C is on the minus strand). VCF-style: chr12-14696247-G-A. GRCh37 (hg19) VCF-style: chr12-14849181-G-A.
Other names: c.202C>T (NM_004963.3); short protein forms R68C.
Identifiers: ClinVar variation 1236207 (VCV001236207.10), dbSNP rs750915945, ClinGen allele CA6463829.